The following is an entry in ClinVar:

ClinVar aggregate classification (germline): Pathogenic (1 of 4 stars; one submission).

Conditions:
Hereditary hemorrhagic telangiectasia (HHT). Also called: ORW DISEASE; Osler Weber Rendu syndrome; OSLER-RENDU-WEBER DISEASE; Osler hemorrhagic telangiectasia syndrome. Identifiers: Orphanet 774, MedGen C0039445, MONDO:0019180. Disease mechanism: loss of function.

Submission:

Labcorp Genetics (formerly Invitae), Labcorp
Classification: Pathogenic for Hereditary hemorrhagic telangiectasia. Last evaluated: 2025-08-25. Review status: criteria provided, single submitter. Criteria: Invitae Variant Classification Sherloc (09022015). Collection method: clinical testing. Allele origin: germline.
Comment: This sequence change creates a premature translational stop signal (p.Glu302Argfs*57) in the ENG gene. It is expected to result in an absent or disrupted protein product. Loss-of-function variants in ENG are known to be pathogenic (PMID: 15879500). This variant is not present in population databases (gnomAD no frequency). This variant has not been reported in the literature in individuals affected with ENG-related conditions. For these reasons, this variant has been classified as Pathogenic.

Literature cited by the submitters: PubMed 15879500.

NM_001114753.3(ENG):c.904del (p.Glu302fs)

Gene: ENG (endoglin; minus strand). Cytogenetic location: 9q34.11.
Variant type: Deletion.
Coding change: c.904del on transcript NM_001114753.3 (MANE Select); coding-DNA position 904, one base deleted (G; older notation c.904delG).
Protein change: p.Glu302fs; shifts the reading frame from glutamic acid 302.
Molecular consequence: frameshift variant.
Genome position (GRCh38, 1-based): chr9:127,824,887, C deleted on the plus strand (G on the coding strand, the reverse complement: ENG is on the minus strand); the first of 5 consecutive C bases (chr9:127,824,887-127,824,891); deleting any one gives the same sequence. VCF-style (leftmost placement, unchanged base first): chr9-127824886-TC-T. GRCh37 (hg19) VCF-style: chr9-130587165-TC-T.
Other names: c.904del, p.Glu302fs (NM_000118.4, NM_001406715.1); c.358del, p.Glu120fs (NM_001278138.2); short protein forms E120fs, E302fs.
Identifiers: ClinVar variation 4723450 (VCV004723450.1).